The following is an entry in ClinVar:

NM_025137.4(SPG11):c.6755-3C>G

Gene: SPG11 (SPG11 vesicle trafficking associated, spatacsin; minus strand). Cytogenetic location: 15q21.1.
Variant type: single nucleotide variant.
Coding change: c.6755-3C>G on transcript NM_025137.4 (MANE Select); 3 bases into the intron before coding-DNA position 6755, C replaced by G.
Molecular consequence: intron variant.
Genome position (GRCh38, 1-based): chr15:44,566,308, G>C on the plus strand (C>G on the coding strand, the complement: SPG11 is on the minus strand). VCF-style: chr15-44566308-G-C. GRCh37 (hg19) VCF-style: chr15-44858506-G-C.
Other names: c.6416-3C>G (NM_001160227.2).
Identifiers: ClinVar variation 1061037 (VCV001061037.7), dbSNP rs1177654504, ClinGen allele CA617675460.

ClinVar aggregate classification (germline): Uncertain significance. Review status: criteria provided, multiple submitters, no conflicts (2 of 4 stars). 2 submissions from 2 submitters: Uncertain significance (2). Last evaluated 2022-10-11.

Conditions:
Hereditary spastic paraplegia 11. Also called: Nakamura Osame syndrome; Autosomal recessive hereditary spastic paraplegia, mental impairment, and thin corpus callosum; Spastic paraplegia, mental retardation and thin corpus callosum; SPASTIC PARAPLEGIA, AUTOSOMAL RECESSIVE, COMPLICATED, WITH THIN CORPUS CALLOSUM; SPASTIC PARAPLEGIA, AUTOSOMAL RECESSIVE, WITH MENTAL IMPAIRMENT AND THIN CORPUS CALLOSUM; Spastic Paraplegia 11. Identifiers: Orphanet 2822, MedGen C1858479, MONDO:0011445, OMIM 604360.

Allele frequency attached by ClinVar (database versions not stated): TOPMed below 0.00001.

Submissions (2):

GeneDx
Classification: Uncertain significance. Last evaluated: 2022-10-11. Review status: criteria provided, single submitter. Criteria: GeneDx Variant Classification Process June 2021. Collection method: clinical testing. Allele origin: germline. Affected: yes.
Comment: Not observed at significant frequency in large population cohorts (gnomAD); In silico analysis supports a deleterious effect on splicing; Has not been previously published as pathogenic or benign to our knowledge

Labcorp Genetics (formerly Invitae), Labcorp
Classification: Uncertain significance for Hereditary spastic paraplegia 11. Last evaluated: 2020-07-16. Review status: criteria provided, single submitter. Criteria: Invitae Variant Classification Sherloc (09022015). Collection method: clinical testing. Allele origin: germline.
Comment: In summary, the available evidence is currently insufficient to determine the role of this variant in disease. Therefore, it has been classified as a Variant of Uncertain Significance. Nucleotide substitutions within the consensus splice site are a relatively common cause of aberrant splicing (PMID: 17576681, 9536098). Algorithms developed to predict the effect of sequence changes on RNA splicing suggest that this variant may disrupt the consensus splice site, but this prediction has not been confirmed by published transcriptional studies. This variant has not been reported in the literature in individuals with SPG11-related conditions. This variant is not present in population databases (ExAC no frequency). This sequence change falls in intron 36 of the SPG11 gene. It does not directly change the encoded amino acid sequence of the SPG11 protein, but it affects a nucleotide within the consensus splice site of the intron.

Literature cited by the submitters: PubMed 17576681 (cited by Labcorp Genetics (formerly Invitae), Labcorp); PubMed 9536098 (cited by Labcorp Genetics (formerly Invitae), Labcorp).